The following is an entry in ClinVar:

NM_001876.4(CPT1A):c.1429G>A (p.Asp477Asn)

Gene: CPT1A (carnitine palmitoyltransferase 1A; minus strand). Cytogenetic location: 11q13.3.
Variant type: single nucleotide variant.
Coding change: c.1429G>A on transcript NM_001876.4 (MANE Select); coding-DNA position 1429, G replaced by A.
Protein change: p.Asp477Asn; replaces aspartic acid 477 with asparagine.
Molecular consequence: missense variant.
Genome position (GRCh38, 1-based): chr11:68,780,669, C>T on the plus strand (G>A on the coding strand, the complement: CPT1A is on the minus strand). VCF-style: chr11-68780669-C-T. GRCh37 (hg19) VCF-style: chr11-68548137-C-T.
Other names: c.1429G>A, p.Asp477Asn (NM_001031847.3); short protein forms D477N.
Identifiers: ClinVar variation 3897960 (VCV003897960.1).

ClinVar aggregate classification (germline): Uncertain significance (1 of 4 stars; one submission).

Conditions:
Carnitine palmitoyl transferase 1A deficiency. Also called: CPT deficiency, hepatic, type IA; Carnitine palmitoyltransferase type I deficiency; CPT I DEFICIENCY; CPT DEFICIENCY, HEPATIC, TYPE I; Carnitine palmitoyltransferase 1A deficiency. Identifiers: Orphanet 156, MedGen C1829703, MONDO:0009705, OMIM 255120.

Submission:

Neuberg Centre For Genomic Medicine, NCGM
Classification: Uncertain significance for Carnitine palmitoyl transferase 1A deficiency. Last evaluated: 2024-02-01. Review status: criteria provided, single submitter. Criteria: ACMG Guidelines, 2015. Collection method: clinical testing. Allele origin: germline. Inheritance: Autosomal recessive inheritance.
Comment: This variant in CPT1A gene has not been reported previously as a pathogenic variant nor as a benign variant, to our knowledge.